The following is an entry in ClinVar:

NM_032634.4(PIGO):c.737C>G (p.Pro246Arg)

Gene: PIGO (phosphatidylinositol glycan anchor biosynthesis class O; minus strand). Cytogenetic location: 9p13.3.
Variant type: single nucleotide variant.
Coding change: c.737C>G on transcript NM_032634.4 (MANE Select); coding-DNA position 737, C replaced by G.
Protein change: p.Pro246Arg; replaces proline 246 with arginine.
Molecular consequence: missense variant.
Genome position (GRCh38, 1-based): chr9:35,093,943, G>C on the plus strand (C>G on the coding strand, the complement: PIGO is on the minus strand). VCF-style: chr9-35093943-G-C. GRCh37 (hg19) VCF-style: chr9-35093940-G-C.
Other names: c.737C>G, p.Pro246Arg (NM_001201484.2, NM_152850.4); short protein forms P246R.
Identifiers: ClinVar variation 473235 (VCV000473235.8), dbSNP rs746364157, ClinGen allele CA5040855.

ClinVar aggregate classification (germline): Uncertain significance (1 of 4 stars; one submission).

Conditions:
Hyperphosphatasia with impaired intellectual development syndrome 2. Also called: GLYCOSYLPHOSPHATIDYLINOSITOL BIOSYNTHESIS DEFECT 6; Hyperphosphatasia with intellectual disability syndrome 2. Identifiers: Orphanet 247262, MedGen C3553637, MONDO:0013882, OMIM 614749.

Allele frequency attached by ClinVar (database versions not stated): ExAC 0.00001.

Submission:

Labcorp Genetics (formerly Invitae), Labcorp
Classification: Uncertain significance for Hyperphosphatasia with impaired intellectual development syndrome 2. Last evaluated: 2021-08-27. Review status: criteria provided, single submitter. Criteria: Invitae Variant Classification Sherloc (09022015). Collection method: clinical testing. Allele origin: germline.
Comment: This sequence change replaces proline with arginine at codon 246 of the PIGO protein (p.Pro246Arg). The proline residue is highly conserved and there is a moderate physicochemical difference between proline and arginine. This variant is present in population databases (rs746364157, ExAC 0.006%). This variant has not been reported in the literature in individuals with a PIGO-related disease. Algorithms developed to predict the effect of missense changes on protein structure and function do not agree on the potential impact of this missense change (SIFT: "Tolerated"; PolyPhen-2: "Probably Damaging"; Align-GVGD: "Class C0"). In summary, this variant has uncertain impact on PIGO function. The available evidence is currently insufficient to determine its role in disease. Therefore, it has been classified as a Variant of Uncertain Significance.